The following is an entry in ClinVar:

NM_004990.4(MARS1):c.2347A>G (p.Thr783Ala)

Gene: MARS1 (methionyl-tRNA synthetase 1; plus strand). Cytogenetic location: 12q13.3.
Variant type: single nucleotide variant.
Coding change: c.2347A>G on transcript NM_004990.4 (MANE Select); coding-DNA position 2347, A replaced by G.
Protein change: p.Thr783Ala; replaces threonine 783 with alanine.
Molecular consequence: missense variant.
Genome position (GRCh38, 1-based): chr12:57,515,292, A>G. VCF-style: chr12-57515292-A-G. GRCh37 (hg19) VCF-style: chr12-57909075-A-G.
Other names: short protein forms T783A.
Identifiers: ClinVar variation 1681790 (VCV001681790.6), dbSNP rs946923506, ClinGen allele CA237772722.
Genomic context (GRCh38, chr12:57,515,292, plus strand): 5'-GTTAGTGCCACAATCCAGGCCCAGCTGCAGCTCCCACCTCCAGCCTGCAGTATCCTGCTG[A>G]CAAACTTCCTGTGTACCTTACCAGCAGGACACCAGATTGGCACAGTAGGTGGAAGAGCCA-3'
Protein context (NP_004981.2, residues 773-793): LPPPACSILL[Thr783Ala]NFLCTLPAGH

ClinVar aggregate classification (germline): Uncertain significance (1 of 4 stars; one submission).

Conditions:
Severe early-onset pulmonary alveolar proteinosis due to MARS deficiency. Also called: PULMONARY ALVEOLAR PROTEINOSIS, REUNION ISLAND; Interstitial lung and liver disease. Identifiers: Orphanet 440427, MedGen C4225400, MONDO:0014206, OMIM 615486.
Charcot-Marie-Tooth disease axonal type 2U. Also called: CHARCOT-MARIE-TOOTH NEUROPATHY, TYPE 2U; CHARCOT-MARIE-TOOTH DISEASE, AXONAL, AUTOSOMAL DOMINANT, TYPE 2U. Identifiers: Orphanet 397735, MedGen C4084821, MONDO:0014566, OMIM 616280.

Allele frequency attached by ClinVar (database versions not stated): gnomAD exomes below 0.00001; gnomAD 0.00001; TOPMed 0.00002.

Submission:

Labcorp Genetics (formerly Invitae), Labcorp
Classification: Uncertain significance for Charcot-Marie-Tooth disease axonal type 2U; Severe early-onset pulmonary alveolar proteinosis due to MARS deficiency. Last evaluated: 2021-10-14. Review status: criteria provided, single submitter. Criteria: Invitae Variant Classification Sherloc (09022015). Collection method: clinical testing. Allele origin: germline.
Comment: In summary, the available evidence is currently insufficient to determine the role of this variant in disease. Therefore, it has been classified as a Variant of Uncertain Significance. Algorithms developed to predict the effect of missense changes on protein structure and function (SIFT, PolyPhen-2, Align-GVGD) all suggest that this variant is likely to be tolerated. This variant has not been reported in the literature in individuals affected with MARS-related conditions. This variant is not present in population databases (ExAC no frequency). This sequence change replaces threonine with alanine at codon 783 of the MARS protein (p.Thr783Ala). The threonine residue is moderately conserved and there is a small physicochemical difference between threonine and alanine.